The following is an entry in ClinVar:

ClinVar aggregate classification (germline): Benign/Likely benign. Review status: criteria provided, multiple submitters, no conflicts (2 of 4 stars). 2 submissions from 2 submitters: Benign (1); Likely benign (1). Last evaluated 2025-11-24.

Conditions:
Charcot-Marie-Tooth disease dominant intermediate E. Also called: CHARCOT-MARIE-TOOTH NEUROPATHY WITH FOCAL SEGMENTAL GLOMERULONEPHRITIS. Identifiers: Orphanet 93114, MedGen C4302667, MONDO:0013758, OMIM 614455.
Focal segmental glomerulosclerosis 5 (FSGS5). Identifiers: Orphanet 656, MedGen C2750475, MONDO:0013191, OMIM 613237.
INF2-related disorder. Also called: INF2-related condition.

gnomAD v4.1: 84 of 1,596,648 alleles (0.0053%); highest among the groups gnomAD compares: South Asian, 0.088%; 5 homozygotes.

Submissions (2):

Labcorp Genetics (formerly Invitae), Labcorp
Classification: Benign for Charcot-Marie-Tooth disease dominant intermediate E; Focal segmental glomerulosclerosis 5. Last evaluated: 2025-11-24. Review status: criteria provided, single submitter. Criteria: Invitae Variant Classification Sherloc (09022015). Collection method: clinical testing. Allele origin: germline.

PreventionGenetics, part of Exact Sciences
Classification: Likely benign for INF2-related condition. Last evaluated: 2025-11-11. Review status: criteria provided, single submitter. Criteria: ACMG Guidelines, 2015. Collection method: clinical testing. Allele origin: germline.
Comment: This variant is classified as likely benign based on ACMG/AMP sequence variant interpretation guidelines (Richards et al. 2015 PMID: 25741868, with internal and published modifications).

NM_022489.4(INF2):c.3632G>T (p.Arg1211Leu)

Gene: INF2 (inverted formin 2; plus strand). Cytogenetic location: 14q32.33.
Variant type: single nucleotide variant.
Coding change: c.3632G>T on transcript NM_022489.4 (MANE Select); coding-DNA position 3632, G replaced by T.
Protein change: p.Arg1211Leu; replaces arginine 1211 with leucine.
Molecular consequence: missense variant.
Genome position (GRCh38, 1-based): chr14:104,714,794, G>T. VCF-style: chr14-104714794-G-T. GRCh37 (hg19) VCF-style: chr14-105181131-G-T.
Other names: c.3632G>T, p.Arg1211Leu (NM_001031714.4); c.3632G>T (NM_022489.3); short protein forms R1211L.
Identifiers: ClinVar variation 1039439 (VCV001039439.8), dbSNP rs754263906, ClinGen allele CA7373326.